The following is an entry in ClinVar:

ClinVar aggregate classification (germline): Uncertain significance (1 of 4 stars; one submission).

Submission:

GeneDx
Classification: Uncertain significance. Last evaluated: 2018-03-06. Review status: criteria provided, single submitter. Criteria: GeneDx Variant Classification (06012015). Collection method: clinical testing. Allele origin: germline. Affected: yes.
Comment: The c.3341delG variant has not been published as a pathogenic variant, nor has it been reported as a benign variant to our knowledge. This variant is not observed in large population cohorts (Lek et al., 2016). The c.3341delG variant causes a frameshift starting with codon Glycine 1114, changes this amino acid to a Glutamic Acid residue, and creates a premature Stop codon at position 14 of the new reading frame, denoted p.Gly1114GlufsX14. This variant is predicted to cause loss of normal protein function either through protein truncation or nonsense-mediated mRNA decay. However, loss-of-function is not an established mechanism of disease for the ZFHX4 gene.

NM_024721.5(ZFHX4):c.3341del (p.Gly1114fs)

Gene: ZFHX4 (zinc finger homeobox 4; plus strand). Cytogenetic location: 8q21.13.
Variant type: Deletion.
Coding change: c.3341del on transcript NM_024721.5 (MANE Select); coding-DNA position 3341, one base deleted (G; older notation c.3341delG).
Protein change: p.Gly1114fs; shifts the reading frame from glycine 1114.
Molecular consequence: frameshift variant.
Genome position (GRCh38, 1-based): chr8:76,833,353, G deleted; the last of 3 consecutive G bases (chr8:76,833,351-76,833,353); deleting any one gives the same sequence. VCF-style (leftmost placement, unchanged base first): chr8-76833350-TG-T. GRCh37 (hg19) VCF-style: chr8-77745586-TG-T.
Other names: short protein forms G1114fs.
Identifiers: ClinVar variation 504414 (VCV000504414.2), dbSNP rs1554571907, ClinGen allele CA658797114.
Genomic context (GRCh38, chr8:76,833,350, plus strand): 5'-AGCTGGATATGGCATGCTGATTACCTTTCACTCTGATGTCTTCTGCAGAAACTGCCTCAT[TG>T]GGAGCCAGGACTTGTGATGATGATCTTACAGAGCAGCAGTTGAGATCGACCTCAGGTAAT-3'